The following is an entry in ClinVar:

ClinVar aggregate classification (germline): Uncertain significance. Review status: criteria provided, multiple submitters, no conflicts (2 of 4 stars). 3 submissions from 3 submitters: Uncertain significance (3). Last evaluated 2025-09-08.

Conditions:
Early-infantile DEE. Also called: Early infantile epileptic encephalopathy with suppression bursts; Early infantile epileptic encephalopathy; Ohtahara syndrome. Identifiers: Orphanet 1934, MedGen C0393706, MONDO:0800491.

Allele frequency attached by ClinVar (database versions not stated): gnomAD exomes below 0.00001; ExAC 0.00001; gnomAD 0.00001 and 0.00002.
gnomAD v4.1: 8 of 1,471,972 alleles (0.00054%); highest among the groups gnomAD compares: Admixed American, 0.0056%; no homozygotes.

Submissions (3):

Labcorp Genetics (formerly Invitae), Labcorp
Classification: Uncertain significance for Early-infantile DEE. Last evaluated: 2025-09-08. Review status: criteria provided, single submitter. Criteria: Invitae Variant Classification Sherloc (09022015). Collection method: clinical testing. Allele origin: germline.
Comment: This sequence change replaces serine, which is neutral and polar, with phenylalanine, which is neutral and non-polar, at codon 28 of the ARHGEF15 protein (p.Ser28Phe). This variant is present in population databases (rs768425008, gnomAD 0.003%). This variant has not been reported in the literature in individuals affected with ARHGEF15-related conditions. ClinVar contains an entry for this variant (Variation ID: 1398988). An algorithm developed to predict the effect of missense changes on protein structure and function (PolyPhen-2) suggests that this variant is likely to be tolerated. In summary, the available evidence is currently insufficient to determine the role of this variant in disease. Therefore, it has been classified as a Variant of Uncertain Significance.

Ambry Genetics
Classification: Uncertain significance. Last evaluated: 2021-10-06. Review status: criteria provided, single submitter. Criteria: Ambry Variant Classification Scheme 2023. Collection method: clinical testing. Allele origin: germline.

Breakthrough Genomics
Classification: Uncertain significance. Review status: criteria provided, single submitter. Criteria: ACMG Guidelines, 2015. Collection method: not provided. Allele origin: germline. Inheritance: Unknown mechanism. Affected: yes.

NM_173728.4(ARHGEF15):c.83C>T (p.Ser28Phe)

Gene: ARHGEF15 (Rho guanine nucleotide exchange factor 15; plus strand). Cytogenetic location: 17p13.1.
Variant type: single nucleotide variant.
Coding change: c.83C>T on transcript NM_173728.4 (MANE Select); coding-DNA position 83, C replaced by T.
Protein change: p.Ser28Phe; replaces serine 28 with phenylalanine.
Molecular consequence: missense variant.
Genome position (GRCh38, 1-based): chr17:8,312,122, C>T. VCF-style: chr17-8312122-C-T. GRCh37 (hg19) VCF-style: chr17-8215440-C-T.
Other names: c.83C>T, p.Ser28Phe (NM_025014.2); c.83C>T (NM_173728.3); short protein forms S28F.
Identifiers: ClinVar variation 1398988 (VCV001398988.9), dbSNP rs768425008, ClinGen allele CA8374787.